The following is an entry in ClinVar:

ClinVar aggregate classification (germline): Uncertain significance (1 of 4 stars; one submission).

Conditions:
Combined oxidative phosphorylation defect type 17. Also called: Combined oxidative phosphorylation deficiency 17. Identifiers: Orphanet 369913, MedGen C3809526, MONDO:0014190, OMIM 615440.

Allele frequency attached by ClinVar (database versions not stated): TOPMed below 0.00001.
gnomAD v4.1: 2 of 1,614,146 alleles (0.00012%); highest among the groups gnomAD compares: Non-Finnish European, 0.00017%; no homozygotes.

Submission:

Labcorp Genetics (formerly Invitae), Labcorp
Classification: Uncertain significance for Combined oxidative phosphorylation defect type 17. Last evaluated: 2022-10-17. Review status: criteria provided, single submitter. Criteria: Invitae Variant Classification Sherloc (09022015). Collection method: clinical testing. Allele origin: germline.
Comment: This sequence change replaces glycine, which is neutral and non-polar, with serine, which is neutral and polar, at codon 419 of the ELAC2 protein (p.Gly419Ser). In summary, the available evidence is currently insufficient to determine the role of this variant in disease. Therefore, it has been classified as a Variant of Uncertain Significance. Advanced modeling of protein sequence and biophysical properties (such as structural, functional, and spatial information, amino acid conservation, physicochemical variation, residue mobility, and thermodynamic stability) performed at Invitae indicates that this missense variant is not expected to disrupt ELAC2 protein function. This variant has not been reported in the literature in individuals affected with ELAC2-related conditions. This variant is present in population databases (no rsID available, gnomAD 0.006%).

NM_018127.7(ELAC2):c.1255G>A (p.Gly419Ser)

Gene: ELAC2 (elaC ribonuclease Z 2; minus strand). Cytogenetic location: 17p12.
Variant type: single nucleotide variant.
Coding change: c.1255G>A on transcript NM_018127.7 (MANE Select); coding-DNA position 1255, G replaced by A.
Protein change: p.Gly419Ser; replaces glycine 419 with serine.
Molecular consequence: missense variant.
Genome position (GRCh38, 1-based): chr17:13,002,323, C>T on the plus strand (G>A on the coding strand, the complement: ELAC2 is on the minus strand). VCF-style: chr17-13002323-C-T. GRCh37 (hg19) VCF-style: chr17-12905640-C-T.
Other names: c.1135G>A, p.Gly379Ser (NM_001165962.2); c.1252G>A, p.Gly418Ser (NM_173717.2); short protein forms G379S, G418S, G419S.
Identifiers: ClinVar variation 1713371 (VCV001713371.5), dbSNP rs777236838, ClinGen allele CA398225201.